The following is an entry in ClinVar:

NM_000051.4(ATM):c.5049C>A (p.Phe1683Leu)

Gene: ATM (ATM serine/threonine kinase; plus strand). Cytogenetic location: 11q22.3.
Variant type: single nucleotide variant.
Coding change: c.5049C>A on transcript NM_000051.4 (MANE Select); coding-DNA position 5049, C replaced by A.
Protein change: p.Phe1683Leu; replaces phenylalanine 1683 with leucine.
Molecular consequence: missense variant.
Genome position (GRCh38, 1-based): chr11:108,299,757, C>A. VCF-style: chr11-108299757-C-A. GRCh37 (hg19) VCF-style: chr11-108170484-C-A.
Other names: c.5049C>A, p.Phe1683Leu (NM_001351834.2); short protein forms F1683L.
Identifiers: ClinVar variation 577267 (VCV000577267.16), dbSNP rs1183084231, ClinGen allele CA382540448.

ClinVar aggregate classification (germline): Uncertain significance. Review status: criteria provided, multiple submitters, no conflicts (2 of 4 stars). 4 submissions from 4 submitters: Uncertain significance (4). Last evaluated 2025-07-25.

Conditions:
Hereditary cancer-predisposing syndrome. Also called: Hereditary neoplastic syndrome; Tumor predisposition; Hereditary Cancer Syndrome; Neoplastic Syndromes, Hereditary. Identifiers: Orphanet 140162, MedGen C0027672, MeSH D009386, MONDO:0015356.
Ataxia-telangiectasia syndrome (AT). Also called: Cerebello-oculocutaneous telangiectasia; Immunodeficiency with ataxia telangiectasia; Ataxia telangiectasia (A-T); Ataxia-telangiectasia, complementation group E; LOUIS-BAR SYNDROME; Ataxia-telangiectasia. Identifiers: Orphanet 100, MedGen C0004135, MONDO:0008840, OMIM 208900.

Allele frequency attached by ClinVar (database versions not stated): TOPMed below 0.00001; gnomAD 0.00001.
gnomAD v4.1: 1 of 1,613,804 alleles (0.000062%); highest among the groups gnomAD compares: African/African-American, 0.0013%; no homozygotes.

Submissions (4):

Ambry Genetics
Classification: Uncertain significance for Hereditary cancer-predisposing syndrome. Last evaluated: 2025-07-25. Review status: criteria provided, single submitter. Criteria: Ambry Variant Classification Scheme 2023. Collection method: clinical testing. Allele origin: germline.
Comment: The p.F1683L variant (also known as c.5049C>A), located in coding exon 33 of the ATM gene, results from a C to A substitution at nucleotide position 5049. The phenylalanine at codon 1683 is replaced by leucine, an amino acid with highly similar properties. This amino acid position is well conserved in available vertebrate species. In addition, this alteration is predicted to be tolerated by in silico analysis. Since supporting evidence is limited at this time, the clinical significance of this alteration remains unclear.

Labcorp Genetics (formerly Invitae), Labcorp
Classification: Uncertain significance for Ataxia-telangiectasia syndrome. Last evaluated: 2024-11-13. Review status: criteria provided, single submitter. Criteria: Invitae Variant Classification Sherloc (09022015). Collection method: clinical testing. Allele origin: germline.
Comment: This sequence change replaces phenylalanine, which is neutral and non-polar, with leucine, which is neutral and non-polar, at codon 1683 of the ATM protein (p.Phe1683Leu). This variant is present in population databases (no rsID available, gnomAD 0.01%). This variant has not been reported in the literature in individuals affected with ATM-related conditions. ClinVar contains an entry for this variant (Variation ID: 577267). Invitae Evidence Modeling of protein sequence and biophysical properties (such as structural, functional, and spatial information, amino acid conservation, physicochemical variation, residue mobility, and thermodynamic stability) indicates that this missense variant is not expected to disrupt ATM protein function with a negative predictive value of 95%. In summary, the available evidence is currently insufficient to determine the role of this variant in disease. Therefore, it has been classified as a Variant of Uncertain Significance.

Color Diagnostics, LLC DBA Color Health
Classification: Uncertain significance for Hereditary cancer-predisposing syndrome. Last evaluated: 2024-03-10. Review status: criteria provided, single submitter. Criteria: ACMG Guidelines, 2015. Collection method: clinical testing. Allele origin: germline.
Comment: This missense variant replaces phenylalanine with leucine at codon 1683 of the ATM protein. Computational prediction suggests that this variant may not impact protein structure and function (internally defined REVEL score threshold <= 0.5, PMID: 27666373). To our knowledge, functional studies have not been reported for this variant. This variant has not been reported in individuals affected with ATM-related disorders in the literature. This variant has been identified in 1/31392 chromosomes in the general population by the Genome Aggregation Database (gnomAD). The available evidence is insufficient to determine the role of this variant in disease conclusively. Therefore, this variant is classified as a Variant of Uncertain Significance.

GeneDx
Classification: Uncertain significance. Last evaluated: 2023-04-04. Review status: criteria provided, single submitter. Criteria: GeneDx Variant Classification Process June 2021. Collection method: clinical testing. Allele origin: germline. Affected: yes.
Comment: Not observed at significant frequency in large population cohorts (gnomAD); In silico analysis supports that this missense variant does not alter protein structure/function; Has not been previously published as pathogenic or benign to our knowledge